The following is an entry in ClinVar:

NM_004493.3(HSD17B10):c.634A>G (p.Lys212Glu)

Gene: HSD17B10 (hydroxysteroid 17-beta dehydrogenase 10; minus strand). Cytogenetic location: Xp11.22.
Variant type: single nucleotide variant.
Coding change: c.634A>G on transcript NM_004493.3 (MANE Select); coding-DNA position 634, A replaced by G.
Protein change: p.Lys212Glu; replaces lysine 212 with glutamic acid.
Molecular consequence: missense variant.
Genome position (GRCh38, 1-based): chrX:53,431,556, T>C on the plus strand (A>G on the coding strand, the complement: HSD17B10 is on the minus strand). VCF-style: chrX-53431556-T-C. GRCh37 (hg19) VCF-style: chrX-53458504-T-C.
Other names: c.607A>G, p.Lys203Glu (NM_001037811.2); short protein forms K212E, K203E.
Identifiers: ClinVar variation 280839 (VCV000280839.31), dbSNP rs886041974, ClinGen allele CA10603614.
Genomic context (GRCh38, chrX:53,431,556, plus strand): 5'-CAGCAGGGTCACCCAGTCGGCTAGGGAAGGGCACTTGGCTGGCCAAGAAGTTGCACACTT[T>C]CTCTGGGAGGCTGGTCAGCAGTGGGGTGCCAAACAGACCTAAACAATATAGCCAAATTCA-3'
Protein context (NP_004484.1, residues 202-222): GTPLLTSLPE[Lys212Glu]VCNFLASQVP

ClinVar aggregate classification (germline): Pathogenic/Likely pathogenic. Review status: criteria provided, multiple submitters, no conflicts (2 of 4 stars). 3 submissions from 3 submitters: Pathogenic (1); Likely pathogenic (1). 1 of the submissions does not count toward it. Last evaluated 2022-12-01.

Conditions:
HSD10 mitochondrial disease (HSD10MD). Also called: Chorioathetosis with Mental Retardation and Abnormal Behavior; 17-beta-hydroxysteroid dehydrogenase X deficiency; 2-methyl-3-hydroxybutyric aciduria; HSD10 deficiency; 3H2MBD deficiency; 3-hydroxy-2-methylbutyryl-CoA dehydrogenase deficiency. Identifiers: Orphanet 391417, Orphanet 85295, MedGen C3266731, MONDO:0010327, OMIM 300438. Disease mechanism: loss of function.

Submissions (3):

CeGaT Center for Human Genetics Tuebingen
Classification: Likely pathogenic. Last evaluated: 2022-12-01. Review status: criteria provided, single submitter. Criteria: CeGaT Center For Human Genetics Tuebingen Variant Classification Criteria Version 2. Collection method: clinical testing. Allele origin: germline. Affected: yes. Observed: 1 variant allele.
Comment: HSD17B10: PM1, PM2, PS3:Moderate, PS4:Supporting

GeneDx
Classification: Pathogenic. Last evaluated: 2016-09-15. Review status: criteria provided, single submitter. Criteria: GeneDx Variant Classification (06012015). Collection method: clinical testing. Allele origin: germline. Affected: yes.
Comment: Introduction of the K212E variant into E. coli found that it is associated with significantly reduceddehydrogenase activity of the SDR5C1 enzyme compared to wild-type (Falk et al., 2016).Additional functional analysis found that the K212E variant also results in impaired 5' processingand methylation of mt-tRNAs (Falk et al., 2016). The K212E variant is located with the substratespecificity loop and is predicted to alter active site closure of the SDR5C1 enzyme (Falk et al.,2016). The K212E variant was not observed in approximately 6,500 individuals of European andAfrican American ancestry in the NHLBI Exome Sequencing Project, indicating it is not a commonbenign variant in these populations. The K212E variant is a non-conservative amino acidsubstitution, which is likely to impact secondary protein structure as these residues differ inpolarity, charge, size and/or other properties. This substitution occurs at a position that isconserved across species. In silico analysis is inconsistent in its predictions as to whether or notthe variant is damaging to the protein structure/function. In summary, we interpret K212E to be apathogenic variant.

OMIM
Classification: Pathogenic for HSD10 MITOCHONDRIAL DISEASE. Last evaluated: 2017-05-10. Review status: no assertion criteria provided. Collection method: literature only. Allele origin: germline. Not counted in ClinVar's aggregate classification.

Literature cited by the submitters: PubMed 26950678 (cited by OMIM).